The following is an entry in ClinVar:

NM_007294.4(BRCA1):c.848delinsGGCAA (p.Leu283fs)

Gene: BRCA1 (BRCA1 DNA repair associated; minus strand). Cytogenetic location: 17q21.31.
Variant type: Indel.
Coding change: c.848delinsGGCAA on transcript NM_007294.4 (MANE Select); coding-DNA position 848, T replaced by GGCAA.
Protein change: p.Leu283fs; shifts the reading frame from leucine 283.
Molecular consequence: frameshift variant. On other transcripts: 5 prime UTR variant (2), intron variant (137).
Genome position (GRCh38, 1-based): chr17:43,094,683, A replaced by TTGCC on the plus strand (T replaced by GGCAA on the coding strand, the reverse complement: BRCA1 is on the minus strand). VCF-style: chr17-43094683-A-TTGCC. GRCh37 (hg19) VCF-style: chr17-41246700-A-TTGCC.
Other names: c.704delinsGGCAA, p.Leu235fs (NM_001407741.1, NM_001407742.1, NM_001407743.1 and 20 more transcripts); c.707delinsGGCAA, p.Leu236fs (NM_001407695.1, NM_001407696.1, NM_001407697.1 and 29 more transcripts); c.635delinsGGCAA, p.Leu212fs (NM_001407853.1, NM_001407894.1, NM_001407895.1 and 9 more transcripts); c.848delinsGGCAA, p.Leu283fs (NM_001407854.1, NM_001407858.1, NM_001407859.1 and 30 more transcripts); c.845delinsGGCAA, p.Leu282fs (NM_001407860.1, NM_001407861.1, NM_001407587.1 and 22 more transcripts); c.647delinsGGCAA, p.Leu216fs (NM_001407862.1); c.725delinsGGCAA, p.Leu242fs (NM_001407863.1, NM_001407919.1, NM_001407937.1 and 19 more transcripts); c.644delinsGGCAA, p.Leu215fs (NM_001407874.1, NM_001407875.1); and 40 more; short protein forms L194fs, L213fs, L215fs, L236fs, L195fs, L235fs, L242fs, L256fs.
Identifiers: ClinVar variation 3481894 (VCV003481894.1).

ClinVar aggregate classification (germline): Pathogenic (1 of 4 stars; one submission).

Conditions:
Hereditary cancer-predisposing syndrome. Also called: Tumor predisposition; Neoplastic Syndromes, Hereditary; Hereditary Cancer Syndrome; Hereditary neoplastic syndrome. Identifiers: Orphanet 140162, MedGen C0027672, MeSH D009386, MONDO:0015356.

Submission:

Ambry Genetics
Classification: Pathogenic for Hereditary cancer-predisposing syndrome. Last evaluated: 2024-11-21. Review status: criteria provided, single submitter. Criteria: Ambry Variant Classification Scheme 2023. Collection method: clinical testing. Allele origin: germline.
Comment: The c.848delTinsGGCAA pathogenic mutation, located in coding exon 9 of the BRCA1 gene, results from the deletion of one nucleotide and insertion of 5 nucleotides causing a translational frameshift with a predicted alternate stop codon (p.L283Wfs*5). This variant is considered to be rare based on population cohorts in the Genome Aggregation Database (gnomAD). This alteration is expected to result in loss of function by premature protein truncation or nonsense-mediated mRNA decay. As such, this alteration is interpreted as a disease-causing mutation.